The following is an entry in ClinVar:

NM_001365951.3(KIF1B):c.1899C>A (p.Arg633=)

Gene: KIF1B (kinesin family member 1B; plus strand). Cytogenetic location: 1p36.22.
Variant type: single nucleotide variant.
Coding change: c.1899C>A on transcript NM_001365951.3 (MANE Select); coding-DNA position 1899, C replaced by A.
Protein change: p.Arg633=; no amino-acid change (arginine 633 retained).
Molecular consequence: synonymous variant.
Genome position (GRCh38, 1-based): chr1:10,296,934, C>A. VCF-style: chr1-10296934-C-A. GRCh37 (hg19) VCF-style: chr1-10356992-C-A.
Other names: c.1899C>A, p.Arg633= (NM_001365952.1); c.1761C>A, p.Arg587= (NM_001365953.1, NM_015074.3, NM_183416.4).
Identifiers: ClinVar variation 1779585 (VCV001779585.12), dbSNP rs1310291443, ClinGen allele CA416034125.

ClinVar aggregate classification (germline): Likely benign. Review status: criteria provided, multiple submitters, no conflicts (2 of 4 stars). 3 submissions from 3 submitters: Likely benign (3). Last evaluated 2026-01-01.

Conditions:
Charcot-Marie-Tooth disease type 2. Also called: Charcot-Marie-Tooth type 2. Identifiers: Orphanet 64746, MedGen C0270914, MONDO:0018993.

Allele frequency attached by ClinVar (database versions not stated): gnomAD exomes below 0.00001; gnomAD 0.00001; TOPMed 0.00001.
gnomAD v4.1: 10 of 1,613,920 alleles (0.00062%); highest among the groups gnomAD compares: Admixed American, 0.0017%; no homozygotes.

Submissions (3):

CeGaT Center for Human Genetics Tuebingen
Classification: Likely benign. Last evaluated: 2026-01-01. Review status: criteria provided, single submitter. Criteria: CeGaT Center For Human Genetics Tuebingen Variant Classification Criteria Version 2. Collection method: clinical testing. Allele origin: germline. Affected: yes. Observed: 2 variant alleles.
Comment: KIF1B: BP4, BP7

Labcorp Genetics (formerly Invitae), Labcorp
Classification: Likely benign for Charcot-Marie-Tooth disease type 2. Last evaluated: 2023-03-09. Review status: criteria provided, single submitter. Criteria: Invitae Variant Classification Sherloc (09022015). Collection method: clinical testing. Allele origin: germline.

Ambry Genetics
Classification: Likely benign. Last evaluated: 2021-10-21. Review status: criteria provided, single submitter. Criteria: Ambry Variant Classification Scheme 2023. Collection method: clinical testing. Allele origin: germline.